The following is an entry in ClinVar:

NM_005502.4(ABCA1):c.528T>A (p.Asp176Glu)

Gene: ABCA1 (ATP binding cassette subfamily A member 1; minus strand). Cytogenetic location: 9q31.1.
Variant type: single nucleotide variant.
Coding change: c.528T>A on transcript NM_005502.4 (MANE Select); coding-DNA position 528, T replaced by A.
Protein change: p.Asp176Glu; replaces aspartic acid 176 with glutamic acid.
Molecular consequence: missense variant.
Genome position (GRCh38, 1-based): chr9:104,861,694, A>T on the plus strand (T>A on the coding strand, the complement: ABCA1 is on the minus strand). VCF-style: chr9-104861694-A-T. GRCh37 (hg19) VCF-style: chr9-107623975-A-T.
Other names: c.528T>A (NM_005502.3); short protein forms D176E.
Identifiers: ClinVar variation 2438709 (VCV002438709.6), dbSNP rs780811638, ClinGen allele CA5169369.

ClinVar aggregate classification (germline): Uncertain significance. Review status: criteria provided, multiple submitters, no conflicts (2 of 4 stars). 2 submissions from 2 submitters: Uncertain significance (2). Last evaluated 2024-06-17.

Conditions:
Cardiovascular phenotype. Identifiers: MedGen CN230736.

Allele frequency attached by ClinVar (database versions not stated): ExAC 0.00001; gnomAD exomes 0.00001; TOPMed 0.00001.
gnomAD v4.1: 26 of 1,614,080 alleles (0.0016%); highest among the groups gnomAD compares: Middle Eastern, 0.16%; no homozygotes.

Submissions (2):

Ambry Genetics
Classification: Uncertain significance for Cardiovascular phenotype. Last evaluated: 2024-06-17. Review status: criteria provided, single submitter. Criteria: Ambry Variant Classification Scheme 2023. Collection method: clinical testing. Allele origin: germline.
Comment: The p.D176E variant (also known as c.528T>A), located in coding exon 5 of the ABCA1 gene, results from a T to A substitution at nucleotide position 528. The aspartic acid at codon 176 is replaced by glutamic acid, an amino acid with highly similar properties. This amino acid position is conserved. In addition, this alteration is predicted to be tolerated by in silico analysis. Based on the available evidence, the clinical significance of this variant remains unclear.

Revvity Omics, Revvity
Classification: Uncertain significance. Last evaluated: 2023-11-07. Review status: criteria provided, single submitter. Criteria: ACMG Guidelines, 2015. Collection method: clinical testing. Allele origin: germline.